The following is an entry in ClinVar:

NM_000383.4(AIRE):c.1311C>A (p.Cys437Ter)

Gene: AIRE (autoimmune regulator; plus strand). Cytogenetic location: 21q22.3.
Variant type: single nucleotide variant.
Coding change: c.1311C>A on transcript NM_000383.4 (MANE Select); coding-DNA position 1311, C replaced by A.
Protein change: p.Cys437Ter; replaces cysteine 437 with a stop codon.
Molecular consequence: nonsense.
Genome position (GRCh38, 1-based): chr21:44,293,821, C>A. VCF-style: chr21-44293821-C-A. GRCh37 (hg19) VCF-style: chr21-45713704-C-A.
Other names: NP_000374.1:p.Cys437Ter; short protein forms C437*.
Identifiers: ClinVar variation 2503450 (VCV002503450.5), dbSNP rs771244760, ClinGen allele CA410425666.

ClinVar aggregate classification (germline): Pathogenic/Likely pathogenic. Review status: criteria provided, multiple submitters, no conflicts (2 of 4 stars). 4 submissions from 4 submitters: Pathogenic (2); Likely pathogenic (1). 1 of the submissions does not count toward it. Last evaluated 2025-06-17.

Conditions:
AIRE-related disorder. Also called: AIRE-related condition.
Polyglandular autoimmune syndrome, type 1 (APS1). Also called: Whitaker syndrome; AUTOIMMUNE POLYENDOCRINE SYNDROME, TYPE I, WITH OR WITHOUT REVERSIBLE METAPHYSEAL DYSPLASIA; APS I; HYPOADRENOCORTICISM WITH HYPOPARATHYROIDISM AND SUPERFICIAL MONILIASIS; PGA I; Autoimmune polyendocrinopathy syndrome , type I, with or without reversible metaphyseal dysplasia. Identifiers: Orphanet 3453, MedGen C0085859, MONDO:0009411, OMIM 240300.

Submissions (4):

Massaad Lab, American University of Beirut
Classification: Pathogenic for Polyglandular autoimmune syndrome, type 1. Last evaluated: 2025-06-17. Review status: criteria provided, single submitter. Criteria: ACMG Guidelines, 2015. Collection method: research. Allele origin: germline. Inheritance: Autosomal recessive inheritance. Affected: yes. Observed: 1 homozygote.
Comment: NM_000383.4(AIRE):c.1311C>A (p.Cys437Ter) is a nonsense variant that creates a premature translational stop signal at codon 437 and is expected to result in an absent or disrupted protein through nonsense-mediated decay. Loss of function is an established mechanism of disease for AIRE in autosomal recessive APS-1/APECED. This variant is classified as Pathogenic.

Labcorp Genetics (formerly Invitae), Labcorp
Classification: Pathogenic for Polyglandular autoimmune syndrome, type 1. Last evaluated: 2024-06-19. Review status: criteria provided, single submitter. Criteria: Invitae Variant Classification Sherloc (09022015). Collection method: clinical testing. Allele origin: germline.
Comment: This sequence change creates a premature translational stop signal (p.Cys437*) in the AIRE gene. It is expected to result in an absent or disrupted protein product. Loss-of-function variants in AIRE are known to be pathogenic (PMID: 11524731, 26141571). This variant is not present in population databases (gnomAD no frequency). This variant has not been reported in the literature in individuals affected with AIRE-related conditions. ClinVar contains an entry for this variant (Variation ID: 2503450). For these reasons, this variant has been classified as Pathogenic.

Blueprint Genetics
Classification: Likely pathogenic for AIRE-related disorders. Last evaluated: 2022-04-06. Review status: criteria provided, single submitter. Criteria: ACMG Guidelines, 2015. Collection method: clinical testing. Allele origin: germline. Affected: yes. Observed: 2 variant alleles.

Clinical Laboratory Sciences Program (CLSP), King Saud bin Abdulaziz University for Health Sciences (KSAU-HS)
Classification: Likely pathogenic for Polyglandular autoimmune syndrome, type 1. Last evaluated: 2023-04-01. Review status: no assertion criteria provided. Collection method: clinical testing. Allele origin: germline. Affected: yes. Not counted in ClinVar's aggregate classification.

Literature cited by the submitters: PubMed 11524731 (cited by Labcorp Genetics (formerly Invitae), Labcorp); PubMed 26141571 (cited by Labcorp Genetics (formerly Invitae), Labcorp).